The following is an entry in ClinVar:

ClinVar aggregate classification (germline): Uncertain significance (1 of 4 stars; one submission).

Submission:

GeneDx
Classification: Uncertain significance. Last evaluated: 2021-11-23. Review status: criteria provided, single submitter. Criteria: GeneDx Variant Classification Process June 2021. Collection method: clinical testing. Allele origin: germline. Affected: yes.
Comment: Not observed in large population cohorts (Lek et al., 2016); In silico analysis supports that this missense variant has a deleterious effect on protein structure/function; Has not been previously published as pathogenic or benign to our knowledge

NM_130839.5(UBE3A):c.1972A>C (p.Ser658Arg)

Genes: SNHG14 (small nucleolar RNA host gene 14; plus strand), UBE3A (ubiquitin protein ligase E3A; minus strand). Cytogenetic location: 15q11.2.
Variant type: single nucleotide variant.
Coding change: c.1972A>C on transcript NM_130839.5 (MANE Select); coding-DNA position 1972, A replaced by C.
Protein change: p.Ser658Arg; replaces serine 658 with arginine.
Molecular consequence: missense variant. On other transcripts: non-coding transcript variant (1), intron variant (1).
Genome position (GRCh38, 1-based): chr15:25,356,044, T>G on the plus strand (A>C on the coding strand, the complement: UBE3A is on the minus strand). VCF-style: chr15-25356044-T-G. GRCh37 (hg19) VCF-style: chr15-25601191-T-G.
Other names: c.1912A>C, p.Ser638Arg (NM_001354541.2, NM_001354542.2, NM_001354543.2 and 16 more transcripts); c.1972A>C, p.Ser658Arg (NM_001354545.2, NM_001354505.1, NM_001354538.2); c.1795A>C, p.Ser599Arg (NM_001354546.2); c.721A>C, p.Ser241Arg (NM_001354550.2); c.661A>C, p.Ser221Arg (NM_001354551.2); c.1981A>C, p.Ser661Arg (NM_000462.5); c.1899+647A>C (NM_001354549.2); short protein forms S221R, S241R, S599R, S638R, S658R, S661R.
Identifiers: ClinVar variation 1304090 (VCV001304090.3), dbSNP rs2152694134, ClinGen allele CA391352335.
Genomic context (GRCh38, chr15:25,356,044, plus strand): 5'-GGAAAGTGATCATCATGTCATCTTCCACATTCCCTTCATACTCCAATAAATCTTTTAAAC[T>G]CTGATATAGAACCTAGCAACCAGAAATGGTAAATTGAGGCCACCATAGAACTACAAAATA-3'
Protein context (NP_570854.1, residues 648-668): LGDSHPVLYQ[Ser658Arg]LKDLLEYEGN